The following is an entry in ClinVar:

NM_001130438.3(SPTAN1):c.2207G>C (p.Gly736Ala)

Gene: SPTAN1 (spectrin alpha, non-erythrocytic 1; plus strand). Cytogenetic location: 9q34.11.
Variant type: single nucleotide variant.
Coding change: c.2207G>C on transcript NM_001130438.3 (MANE Select); coding-DNA position 2207, G replaced by C.
Protein change: p.Gly736Ala; replaces glycine 736 with alanine.
Molecular consequence: missense variant.
Genome position (GRCh38, 1-based): chr9:128,584,295, G>C. VCF-style: chr9-128584295-G-C. GRCh37 (hg19) VCF-style: chr9-131346574-G-C.
Other names: c.2207G>C, p.Gly736Ala (NM_001195532.2, NM_001363759.2, NM_001363765.2 and 5 more transcripts); c.2243G>C, p.Gly748Ala (NM_001375312.2, NM_001375318.1); short protein forms G736A, G748A.
Identifiers: ClinVar variation 2573701 (VCV002573701.1), dbSNP rs868177632, ClinGen allele CA375057117.

ClinVar aggregate classification (germline): Uncertain significance (1 of 4 stars; one submission).

Submission:

GeneDx
Classification: Uncertain significance. Last evaluated: 2023-01-13. Review status: criteria provided, single submitter. Criteria: GeneDx Variant Classification Process June 2021. Collection method: clinical testing. Allele origin: germline. Affected: yes.
Comment: In silico analysis supports that this missense variant does not alter protein structure/function; Has not been previously published as pathogenic or benign to our knowledge